The following is an entry in ClinVar:

ClinVar aggregate classification (germline): Uncertain significance (1 of 4 stars; one submission).

Allele frequency attached by ClinVar (database versions not stated): gnomAD exomes below 0.00001; TOPMed below 0.00001.
gnomAD v4.1: 3 of 1,613,486 alleles (0.00019%); highest among the groups gnomAD compares: East Asian, 0.0022%; no homozygotes.

Submission:

GeneDx
Classification: Uncertain significance. Last evaluated: 2017-02-10. Review status: criteria provided, single submitter. Criteria: GeneDx Variant Classification (06012015). Collection method: clinical testing. Allele origin: germline. Affected: yes.
Comment: The A2141S variant in the RYR1 gene has not been reported previously as a pathogenic variant, nor as a benign variant, to our knowledge. The A2141S variant is not observed in large population cohorts (Lek et al., 2016; 1000 Genomes Consortium et al., 2015; Exome Variant Server). The A2141S variant is a non-conservative amino acid substitution, which is likely to impact secondary protein structure as these residues differ in polarity, charge, size and/or other properties. This substitution occurs at a position where amino acids with similar properties to Alanine are tolerated across species. In silico analysis is inconsistent in its predictions as to whether or not the variant is damaging to the protein structure/function. We interpret A2141S as a variant of uncertain significance.

NM_000540.3(RYR1):c.6421G>T (p.Ala2141Ser)

Gene: RYR1 (ryanodine receptor 1; plus strand). Cytogenetic location: 19q13.2.
Variant type: single nucleotide variant.
Coding change: c.6421G>T on transcript NM_000540.3 (MANE Select); coding-DNA position 6421, G replaced by T.
Protein change: p.Ala2141Ser; replaces alanine 2141 with serine.
Molecular consequence: missense variant.
Genome position (GRCh38, 1-based): chr19:38,494,498, G>T. VCF-style: chr19-38494498-G-T. GRCh37 (hg19) VCF-style: chr19-38985138-G-T.
Other names: c.6421G>T, p.Ala2141Ser (NM_001042723.2); short protein forms A2141S.
Identifiers: ClinVar variation 423406 (VCV000423406.2), dbSNP rs1064796405, ClinGen allele CA16620835.